The following is an entry in ClinVar:

ClinVar aggregate classification (germline): Uncertain significance (1 of 4 stars; one submission).

Conditions:
Intellectual developmental disorder, autosomal dominant 56. Also called: MENTAL RETARDATION, AUTOSOMAL DOMINANT 56; Intellectual disability, autosomal dominant 56. Identifiers: MedGen C4693389, MONDO:0030922, OMIM 617854.

Submission:

Neuberg Centre For Genomic Medicine, NCGM
Classification: Uncertain significance for Intellectual developmental disorder, autosomal dominant 56. Last evaluated: 2023-05-20. Review status: criteria provided, single submitter. Criteria: ACMG Guidelines, 2015. Collection method: clinical testing. Allele origin: germline. Inheritance: Autosomal dominant inheritance. Affected: yes.
Comment: The observed missense c.3373A>G(p.Ile1125Val) variant in CLTC gene has not been reported previously as a pathogenic variant nor as a benign variant, to our knowledge. The p.Ile1125Val variant is absent in gnomAD Exomes database. This variant has not been submitted to the ClinVar database. Computational evidence (Polyphen - Benign, SIFT - Tolerated and MutationTaster - Disease causing) predicts conflicting evidence on protein structure and function for this variant. The amino acid change p.Ile1125Val in CLTC is predicted as conserved by GERP++ and PhyloP across 100 vertebrates. The amino acid Ile at position 1125 is changed to a Val changing protein sequence and it might alter its composition and physico-chemical properties. For these reasons, this variant has been classified as Variant of Uncertain Significance (VUS).

NM_004859.4(CLTC):c.3373A>G (p.Ile1125Val)

Gene: CLTC (clathrin heavy chain; plus strand). Cytogenetic location: 17q23.1.
Variant type: single nucleotide variant.
Coding change: c.3373A>G on transcript NM_004859.4 (MANE Select); coding-DNA position 3373, A replaced by G.
Protein change: p.Ile1125Val; replaces isoleucine 1125 with valine.
Molecular consequence: missense variant.
Genome position (GRCh38, 1-based): chr17:59,681,770, A>G. VCF-style: chr17-59681770-A-G. GRCh37 (hg19) VCF-style: chr17-57759131-A-G.
Other names: c.3385A>G, p.Ile1129Val (NM_001288653.2); short protein forms I1125V, I1129V.
Identifiers: ClinVar variation 3341343 (VCV003341343.1).
Genomic context (GRCh38, chr17:59,681,770, plus strand): 5'-CCTGCGGTCTGGAGTCAACTTGCAAAAGCCCAGTTGCAGAAAGGAATGGTGAAAGAAGCC[A>G]TTGATTCTTATATCAAAGCAGATGATCCTTCCTCCTACATGGAAGTTGTTCAGGCTGCCA-3'
Protein context (NP_004850.1, residues 1115-1135): QLQKGMVKEA[Ile1125Val]DSYIKADDPS